The following is an entry in ClinVar:

ClinVar aggregate classification (germline): Uncertain significance. Review status: criteria provided, multiple submitters, no conflicts (2 of 4 stars). 2 submissions from 2 submitters: Uncertain significance (2). Last evaluated 2024-12-17.

Conditions:
Familial sleep-related hypermotor epilepsy. Also called: Autosomal Dominant Sleep-Related Hypermotor (Hyperkinetic) Epilepsy. Identifiers: Orphanet 98784, MedGen C3696898, MONDO:0000030.

Allele frequency attached by ClinVar (database versions not stated): TOPMed below 0.00001.

Submissions (2):

Labcorp Genetics (formerly Invitae), Labcorp
Classification: Uncertain significance. Last evaluated: 2024-12-17. Review status: criteria provided, single submitter. Criteria: Invitae Variant Classification Sherloc (09022015). Collection method: clinical testing. Allele origin: germline.
Comment: This sequence change replaces glycine, which is neutral and non-polar, with serine, which is neutral and polar, at codon 52 of the CHRNB2 protein (p.Gly52Ser). This variant is not present in population databases (gnomAD no frequency). This variant has not been reported in the literature in individuals affected with CHRNB2-related conditions. ClinVar contains an entry for this variant (Variation ID: 543530). Invitae Evidence Modeling of protein sequence and biophysical properties (such as structural, functional, and spatial information, amino acid conservation, physicochemical variation, residue mobility, and thermodynamic stability) indicates that this missense variant is not expected to disrupt CHRNB2 protein function with a negative predictive value of 80%. In summary, the available evidence is currently insufficient to determine the role of this variant in disease. Therefore, it has been classified as a Variant of Uncertain Significance.

GeneDx
Classification: Uncertain significance. Last evaluated: 2024-10-08. Review status: criteria provided, single submitter. Criteria: GeneDx Variant Classification Process June 2021. Collection method: clinical testing. Allele origin: germline. Affected: yes.
Comment: Not observed at significant frequency in large population cohorts (gnomAD); In silico analysis indicates that this missense variant does not alter protein structure/function; Has not been previously published as pathogenic or benign to our knowledge

NM_000748.3(CHRNB2):c.154G>A (p.Gly52Ser)

Gene: CHRNB2 (cholinergic receptor nicotinic beta 2 subunit; plus strand). Cytogenetic location: 1q21.3.
Variant type: single nucleotide variant.
Coding change: c.154G>A on transcript NM_000748.3 (MANE Select); coding-DNA position 154, G replaced by A.
Protein change: p.Gly52Ser; replaces glycine 52 with serine.
Molecular consequence: missense variant.
Genome position (GRCh38, 1-based): chr1:154,569,551, G>A. VCF-style: chr1-154569551-G-A. GRCh37 (hg19) VCF-style: chr1-154542027-G-A.
Other names: short protein forms G52S.
Identifiers: ClinVar variation 543530 (VCV000543530.9), dbSNP rs1553204015, ClinGen allele CA342629350.